The following is an entry in ClinVar:

NM_001352027.3(PHF21A):c.373dup (p.Thr125fs)

Gene: PHF21A (PHD finger protein 21A; minus strand). Cytogenetic location: 11p11.2.
Variant type: Duplication.
Coding change: c.373dup on transcript NM_001352027.3 (MANE Select); coding-DNA position 373, one base duplicated (A; older notation c.373dupA).
Protein change: p.Thr125fs; shifts the reading frame from threonine 125.
Molecular consequence: frameshift variant. On other transcripts: non-coding transcript variant (2).
Genome position (GRCh38, 1-based): chr11:45,971,355, T duplicated on the plus strand (A on the coding strand, the reverse complement: PHF21A is on the minus strand). VCF-style (leftmost placement, unchanged base first): chr11-45971354-G-GT. GRCh37 (hg19) VCF-style: chr11-45992905-G-GT.
Other names: c.373dup, p.Thr125fs (NM_001101802.3, NM_001352025.3, NM_001352026.3 and 5 more transcripts); c.370dup, p.Thr124fs (NM_001352030.3); short protein forms T124fs, T125fs.
Identifiers: ClinVar variation 2772580 (VCV002772580.3), dbSNP rs2498024152, ClinGen allele CA2697548566.

ClinVar aggregate classification (germline): Pathogenic (1 of 4 stars; one submission).

Submission:

Labcorp Genetics (formerly Invitae), Labcorp
Classification: Pathogenic. Last evaluated: 2023-11-06. Review status: criteria provided, single submitter. Criteria: Invitae Variant Classification Sherloc (09022015). Collection method: clinical testing. Allele origin: germline.
Comment: This sequence change creates a premature translational stop signal (p.Thr125Asnfs*48) in the PHF21A gene. It is expected to result in an absent or disrupted protein product. Loss-of-function variants in PHF21A are known to be pathogenic (PMID: 30487643). This variant is not present in population databases (gnomAD no frequency). This variant has not been reported in the literature in individuals affected with PHF21A-related conditions. For these reasons, this variant has been classified as Pathogenic.

Literature cited by the submitters: PubMed 30487643.